The following is an entry in ClinVar:

ClinVar aggregate classification (germline): Uncertain significance (1 of 4 stars; one submission).

gnomAD v4.1: 4 of 1,614,176 alleles (0.00025%); highest among the groups gnomAD compares: Non-Finnish European, 0.00034%; no homozygotes.

Submission:

Labcorp Genetics (formerly Invitae), Labcorp
Classification: Uncertain significance. Last evaluated: 2024-10-27. Review status: criteria provided, single submitter. Criteria: Invitae Variant Classification Sherloc (09022015). Collection method: clinical testing. Allele origin: germline.
Comment: This sequence change replaces glutamine, which is neutral and polar, with histidine, which is basic and polar, at codon 542 of the PLCE1 protein (p.Gln542His). This variant is not present in population databases (gnomAD no frequency). This variant has not been reported in the literature in individuals affected with PLCE1-related conditions. Invitae Evidence Modeling of protein sequence and biophysical properties (such as structural, functional, and spatial information, amino acid conservation, physicochemical variation, residue mobility, and thermodynamic stability) indicates that this missense variant is expected to disrupt PLCE1 protein function with a positive predictive value of 80%. In summary, the available evidence is currently insufficient to determine the role of this variant in disease. Therefore, it has been classified as a Variant of Uncertain Significance.

NM_016341.4(PLCE1):c.1626A>C (p.Gln542His)

Gene: PLCE1 (phospholipase C epsilon 1; plus strand). Cytogenetic location: 10q23.33.
Variant type: single nucleotide variant.
Coding change: c.1626A>C on transcript NM_016341.4 (MANE Select); coding-DNA position 1626, A replaced by C.
Protein change: p.Gln542His; replaces glutamine 542 with histidine.
Molecular consequence: missense variant.
Genome position (GRCh38, 1-based): chr10:94,171,313, A>C. VCF-style: chr10-94171313-A-C. GRCh37 (hg19) VCF-style: chr10-95931070-A-C.
Other names: c.702A>C, p.Gln234His (NM_001165979.2); c.1626A>C, p.Gln542His (NM_001288989.2); short protein forms Q234H, Q542H.
Identifiers: ClinVar variation 3611360 (VCV003611360.2).